The following is an entry in ClinVar:

NM_206933.4(USH2A):c.7415A>C (p.Gln2472Pro)

Gene: USH2A (usherin; minus strand). Cytogenetic location: 1q41.
Variant type: single nucleotide variant.
Coding change: c.7415A>C on transcript NM_206933.4 (MANE Select); coding-DNA position 7415, A replaced by C.
Protein change: p.Gln2472Pro; replaces glutamine 2472 with proline.
Molecular consequence: missense variant.
Genome position (GRCh38, 1-based): chr1:215,900,791, T>G on the plus strand (A>C on the coding strand, the complement: USH2A is on the minus strand). VCF-style: chr1-215900791-T-G. GRCh37 (hg19) VCF-style: chr1-216074133-T-G.
Other names: short protein forms Q2472P.
Identifiers: ClinVar variation 1065684 (VCV001065684.4), dbSNP rs2102470142, ClinGen allele CA344849577.

ClinVar aggregate classification (germline): Conflicting classifications of pathogenicity. Review status: criteria provided, conflicting classifications (1 of 4 stars). 2 submissions from 2 submitters: Likely pathogenic (1); Uncertain significance (1). Last evaluated 2021-06-23.

Conditions:
Retinitis pigmentosa 39 (RP39). Identifiers: Orphanet 791, MedGen C3151138, MONDO:0013436, OMIM 613809.

Submissions (2):

DBGen Ocular Genomics
Classification: Likely pathogenic for Retinitis pigmentosa 39. Last evaluated: 2021-06-23. Review status: criteria provided, single submitter. Criteria: ACMG Guidelines, 2015. Collection method: clinical testing. Allele origin: germline. Affected: yes. Observed: 1 variant allele.

Ocular Genomics Institute, Massachusetts Eye and Ear
Classification: Uncertain significance for Retinitis pigmentosa 39. Last evaluated: 2021-04-08. Review status: criteria provided, single submitter. Criteria: ACMG Guidelines, 2015. Collection method: research. Allele origin: germline. Affected: yes.
Comment: Through a review of available evidence we were able to apply the following criteria: PM2. Based on this evidence we have classified this variant as Variant of Uncertain Significance.